The following is an entry in ClinVar:

ClinVar aggregate classification (germline): Conflicting classifications of pathogenicity. Review status: criteria provided, conflicting classifications (1 of 4 stars). 6 submissions from 6 submitters: Uncertain significance (1); Likely benign (5). Last evaluated 2025-12-22.

Conditions:
Familial sleep-related hypermotor epilepsy. Also called: Autosomal Dominant Sleep-Related Hypermotor (Hyperkinetic) Epilepsy. Identifiers: Orphanet 98784, MedGen C3696898, MONDO:0000030.
Inborn genetic diseases. Identifiers: MedGen C0950123, MeSH D030342.

Allele frequency attached by ClinVar (database versions not stated): gnomAD 0.00014 and 0.00015; TOPMed 0.00020; gnomAD exomes 0.00033; ExAC 0.00090.

Submissions (6):

Labcorp Genetics (formerly Invitae), Labcorp
Classification: Likely benign. Last evaluated: 2025-12-22. Review status: criteria provided, single submitter. Criteria: Invitae Variant Classification Sherloc (09022015). Collection method: clinical testing. Allele origin: germline.

CeGaT Center for Human Genetics Tuebingen
Classification: Likely benign. Last evaluated: 2025-11-01. Review status: criteria provided, single submitter. Criteria: CeGaT Center For Human Genetics Tuebingen Variant Classification Criteria Version 2. Collection method: clinical testing. Allele origin: germline. Affected: yes. Observed: 4 variant alleles.
Comment: CHRNA4: BP4, BS2

Blueprint Genetics
Classification: Likely benign. Last evaluated: 2024-09-05. Review status: criteria provided, single submitter. Criteria: ACMG Guidelines, 2015. Collection method: clinical testing. Allele origin: germline.

GeneDx
Classification: Likely benign. Last evaluated: 2020-08-05. Review status: criteria provided, single submitter. Criteria: GeneDx Variant Classification Process June 2021. Collection method: clinical testing. Allele origin: germline. Affected: yes.
Comment: This variant is associated with the following publications: (PMID: 22873564, 19628475)

ARUP Laboratories, Molecular Genetics and Genomics, ARUP Laboratories
Classification: Uncertain significance. Last evaluated: 2020-03-03. Review status: criteria provided, single submitter. Criteria: ARUP Molecular Germline Variant Investigation Process. Collection method: clinical testing. Allele origin: germline.

Ambry Genetics
Classification: Likely benign for Inborn genetic diseases. Last evaluated: 2018-07-10. Review status: criteria provided, single submitter. Criteria: Ambry Variant Classification Scheme 2023. Collection method: clinical testing. Allele origin: germline.

NM_000744.7(CHRNA4):c.1360G>A (p.Gly454Ser)

Gene: CHRNA4 (cholinergic receptor nicotinic alpha 4 subunit; minus strand). Cytogenetic location: 20q13.33.
Variant type: single nucleotide variant.
Coding change: c.1360G>A on transcript NM_000744.7 (MANE Select); coding-DNA position 1360, G replaced by A.
Protein change: p.Gly454Ser; replaces glycine 454 with serine.
Molecular consequence: missense variant. On other transcripts: non-coding transcript variant (1).
Genome position (GRCh38, 1-based): chr20:63,350,051, C>T on the plus strand (G>A on the coding strand, the complement: CHRNA4 is on the minus strand). VCF-style: chr20-63350051-C-T. GRCh37 (hg19) VCF-style: chr20-61981403-C-T.
Other names: p.G454S:GGC>AGC; c.832G>A, p.Gly278Ser (NM_001256573.2); short protein forms G454S, G278S.
Identifiers: ClinVar variation 204998 (VCV000204998.65), dbSNP rs78306886, ClinGen allele CA313516.